The following is an entry in ClinVar:

NM_007194.4(CHEK2):c.1574_1582dup (p.Ala527_Glu528insGlyGluAla)

Gene: CHEK2 (checkpoint kinase 2; minus strand). Cytogenetic location: 22q12.1.
Variant type: Duplication.
Coding change: c.1574_1582dup on transcript NM_007194.4 (MANE Select); coding-DNA positions 1574 to 1582, 9 bases duplicated (GGGAAGCCG; older notation c.1574_1582dupGGGAAGCCG).
Protein change: p.Ala527_Glu528insGlyGluAla.
Molecular consequence: inframe insertion. On other transcripts: inframe indel (4).
Genome position (GRCh38, 1-based): chr22:28,687,947-28,687,955, CGGCTTCCC duplicated on the plus strand (GGGAAGCCG on the coding strand, the reverse complement: CHEK2 is on the minus strand); duplicating any 9 consecutive bases within chr22:28,687,947-28,687,956 gives the same sequence; the c. name uses the placement nearest the transcript's 3' end. VCF-style (leftmost placement, unchanged base first): chr22-28687946-T-TCGGCTTCCC. GRCh37 (hg19) VCF-style: chr22-29083934-T-TCGGCTTCCC.
Other names: c.1702_1710dup, p.Ala570_Glu571insGlyGluAla (NM_001005735.3); c.910_918dup, p.Ala306_Glu307insGlyGluAla (NM_001257387.3); c.1372_1380dup, p.Ala460_Glu461insGlyGluAla (NM_001349956.3); c.1486_1494dup, p.Ala498_Glu499insGlyGluAla (NM_145862.3).
Identifiers: ClinVar variation 3226029 (VCV003226029.1), dbSNP rs2517748232, ClinGen allele CA2825002866.

ClinVar aggregate classification (germline): Uncertain significance (1 of 4 stars; one submission).

Conditions:
Hereditary cancer-predisposing syndrome. Also called: Neoplastic Syndromes, Hereditary; Tumor predisposition; Hereditary neoplastic syndrome; Hereditary Cancer Syndrome. Identifiers: Orphanet 140162, MedGen C0027672, MeSH D009386, MONDO:0015356.

Submission:

Ambry Genetics
Classification: Uncertain significance for Hereditary cancer-predisposing syndrome. Last evaluated: 2023-10-23. Review status: criteria provided, single submitter. Criteria: Ambry Variant Classification Scheme 2023. Collection method: clinical testing. Allele origin: germline.
Comment: The c.1574_1582dupGGGAAGCCG variant (also known as p.G525_A527dup), located in coding exon 14 of the CHEK2 gene, results from an in-frame duplication of GGGAAGCCG at nucleotide positions 1574 to 1582. This results in the duplication of 3 extra residues (GEA) between codons 525 and 527. This alteration is predicted to be neutral by in silico analysis (Choi Y et al. PLoS ONE. 2012; 7(10):e46688). Since supporting evidence is limited at this time, the clinical significance of this alteration remains unclear.